The following is an entry in ClinVar:

ClinVar aggregate classification (germline): Uncertain significance (1 of 4 stars; one submission).

Conditions:
Primary ciliary dyskinesia. Also called: Ciliary dyskinesia. Identifiers: Orphanet 244, MedGen C0008780, MONDO:0016575, HP:0012265.

gnomAD v4.1: 1 of 1,610,980 alleles (0.000062%); highest among the groups gnomAD compares: Non-Finnish European, 0.000085%; no homozygotes.

Submission:

Ambry Genetics
Classification: Uncertain significance for Primary ciliary dyskinesia. Last evaluated: 2025-03-04. Review status: criteria provided, single submitter. Criteria: Ambry Variant Classification Scheme 2023. Collection method: clinical testing. Allele origin: germline.
Comment: The p.S2605L variant (also known as c.7814C>T), located in coding exon 47 of the DNAH5 gene, results from a C to T substitution at nucleotide position 7814. The serine at codon 2605 is replaced by leucine, an amino acid with dissimilar properties. This amino acid position is conserved. In addition, the in silico prediction for this alteration is inconclusive. Based on the available evidence, the clinical significance of this variant remains unclear.

NM_001369.3(DNAH5):c.7814C>T (p.Ser2605Leu)

Gene: DNAH5 (dynein axonemal heavy chain 5; minus strand). Cytogenetic location: 5p15.2.
Variant type: single nucleotide variant.
Coding change: c.7814C>T on transcript NM_001369.3 (MANE Select); coding-DNA position 7814, C replaced by T.
Protein change: p.Ser2605Leu; replaces serine 2605 with leucine.
Molecular consequence: missense variant.
Genome position (GRCh38, 1-based): chr5:13,807,664, G>A on the plus strand (C>T on the coding strand, the complement: DNAH5 is on the minus strand). VCF-style: chr5-13807664-G-A. GRCh37 (hg19) VCF-style: chr5-13807773-G-A.
Other names: short protein forms S2605L.
Identifiers: ClinVar variation 3841166 (VCV003841166.1).